The following is an entry in ClinVar:

ClinVar aggregate classification (germline): Likely benign (1 of 4 stars; one submission).

gnomAD v4.1: 6 of 1,613,888 alleles (0.00037%); highest among the groups gnomAD compares: Non-Finnish European, 0.00051%; no homozygotes.

Submission:

Molecular Diagnostic Laboratory for Inherited Cardiovascular Disease, Montreal Heart Institute
Classification: Likely benign. Last evaluated: 2025-04-09. Review status: criteria provided, single submitter. Criteria: ACMG Guidelines, 2015. Collection method: clinical testing. Allele origin: germline. Affected: no.
Comment: BP1;BP5

NM_001267550.2(TTN):c.11944G>A (p.Val3982Ile)

Gene: TTN (titin; minus strand). Cytogenetic location: 2q31.2.
Variant type: single nucleotide variant.
Coding change: c.11944G>A on transcript NM_001267550.2 (MANE Select); coding-DNA position 11944, G replaced by A.
Protein change: p.Val3982Ile; replaces valine 3982 with isoleucine.
Molecular consequence: missense variant. On other transcripts: intron variant (1).
Genome position (GRCh38, 1-based): chr2:178,741,289, C>T on the plus strand (G>A on the coding strand, the complement: TTN is on the minus strand). VCF-style: chr2-178741289-C-T. GRCh37 (hg19) VCF-style: chr2-179606016-C-T.
Other names: c.10993G>A, p.Val3665Ile (NM_001256850.1); c.10855G>A, p.Val3619Ile (NM_003319.4); c.11230G>A, p.Val3744Ile (NM_133432.3); c.11431G>A, p.Val3811Ile (NM_133437.4); c.10361-2929G>A (NM_133378.4); short protein forms V3619I, V3665I, V3744I, V3811I, V3982I.
Identifiers: ClinVar variation 3894741 (VCV003894741.1), dbSNP rs1032555583.